The following is an entry in ClinVar:

NM_000264.5(PTCH1):c.3674A>G (p.Tyr1225Cys)

Gene: PTCH1 (patched 1; minus strand). Cytogenetic location: 9q22.32.
Variant type: single nucleotide variant.
Coding change: c.3674A>G on transcript NM_000264.5 (MANE Select); coding-DNA position 3674, A replaced by G.
Protein change: p.Tyr1225Cys; replaces tyrosine 1225 with cysteine.
Molecular consequence: missense variant. On other transcripts: non-coding transcript variant (1).
Genome position (GRCh38, 1-based): chr9:95,449,199, T>C on the plus strand (A>G on the coding strand, the complement: PTCH1 is on the minus strand). VCF-style: chr9-95449199-T-C. GRCh37 (hg19) VCF-style: chr9-98211481-T-C.
Other names: c.3476A>G, p.Tyr1159Cys (NM_001083602.3); c.3671A>G, p.Tyr1224Cys (NM_001083603.3); c.3221A>G, p.Tyr1074Cys (NM_001083604.3, NM_001083605.3, NM_001083606.3 and 1 more transcripts); c.3518A>G, p.Tyr1173Cys (NM_001354918.2); short protein forms Y1173C, Y1225C, Y1074C, Y1224C, Y1159C.
Identifiers: ClinVar variation 1399521 (VCV001399521.8), dbSNP rs2136599880, ClinGen allele CA374111170.

ClinVar aggregate classification (germline): Uncertain significance (1 of 4 stars; one submission).

Conditions:
Gorlin syndrome. Also called: Nevoid Basal Cell Carcinoma Syndrome; Basal cell nevus syndrome. Identifiers: Orphanet 377, MedGen C0004779, MONDO:0007187.

Allele frequency attached by ClinVar (database versions not stated): gnomAD exomes below 0.00001.
gnomAD v4.1: 2 of 1,608,954 alleles (0.00012%); highest among the groups gnomAD compares: South Asian, 0.0011%; no homozygotes.

Submission:

Labcorp Genetics (formerly Invitae), Labcorp
Classification: Uncertain significance for Gorlin syndrome. Last evaluated: 2022-11-12. Review status: criteria provided, single submitter. Criteria: Invitae Variant Classification Sherloc (09022015). Collection method: clinical testing. Allele origin: germline.
Comment: This sequence change replaces tyrosine, which is neutral and polar, with cysteine, which is neutral and slightly polar, at codon 1225 of the PTCH1 protein (p.Tyr1225Cys). This variant is not present in population databases (gnomAD no frequency). This variant has not been reported in the literature in individuals affected with PTCH1-related conditions. ClinVar contains an entry for this variant (Variation ID: 1399521). Advanced modeling of protein sequence and biophysical properties (such as structural, functional, and spatial information, amino acid conservation, physicochemical variation, residue mobility, and thermodynamic stability) performed at Invitae indicates that this missense variant is not expected to disrupt PTCH1 protein function. In summary, the available evidence is currently insufficient to determine the role of this variant in disease. Therefore, it has been classified as a Variant of Uncertain Significance.